The following is an entry in ClinVar:

ClinVar aggregate classification (germline): Benign/Likely benign. Review status: criteria provided, multiple submitters, no conflicts (2 of 4 stars). 8 submissions from 8 submitters: Benign (3); Likely benign (5). Last evaluated 2026-01-28.

Conditions:
Cardiovascular phenotype. Identifiers: MedGen CN230736.
Myofibrillar myopathy 5. Also called: Filaminopathy (type); FILAMINOPATHY, AUTOSOMAL DOMINANT. Identifiers: Orphanet 171445, MedGen C1836050, MONDO:0012289, OMIM 609524.
Hypertrophic cardiomyopathy 26. Also called: Cardiomyopathy, familial hypertrophic, 26. Identifiers: Orphanet 75249, MedGen C4310749, MONDO:0014883, OMIM 617047.
Distal myopathy with posterior leg and anterior hand involvement. Also called: WILLIAMS DISTAL MYOPATHY. Identifiers: Orphanet 63273, MedGen C3279722, MONDO:0013550, OMIM 614065.

Allele frequency attached by ClinVar (database versions not stated): TOPMed 0.00140; ESP Exome Variant Server 0.00148; gnomAD 0.00156; 1000 Genomes Project 0.00180; 1000 Genomes Project 30x 0.00187.
gnomAD v4.1: 425 of 1,612,452 alleles (0.026%); highest among the groups gnomAD compares: African/African-American, 0.46%; 3 homozygotes.

Submissions (8):

Labcorp Genetics (formerly Invitae), Labcorp
Classification: Benign for Distal myopathy with posterior leg and anterior hand involvement; Myofibrillar myopathy 5; Hypertrophic cardiomyopathy 26. Last evaluated: 2026-01-28. Review status: criteria provided, single submitter. Criteria: Invitae Variant Classification Sherloc (09022015). Collection method: clinical testing. Allele origin: germline.

Molecular Diagnostic Laboratory for Inherited Cardiovascular Disease, Montreal Heart Institute
Classification: Likely benign. Last evaluated: 2025-04-09. Review status: criteria provided, single submitter. Criteria: ACMG Guidelines, 2015. Collection method: clinical testing. Allele origin: germline. Affected: no.

Women's Health and Genetics/Laboratory Corporation of America, LabCorp
Classification: Likely benign. Last evaluated: 2025-03-08. Review status: criteria provided, single submitter. Criteria: LabCorp Variant Classification Summary - May 2015. Collection method: clinical testing. Allele origin: germline.

Mayo Clinic Laboratories, Mayo Clinic
Classification: Likely benign. Last evaluated: 2024-11-11. Review status: criteria provided, single submitter. Criteria: ACMG Guidelines, 2015. Collection method: clinical testing. Allele origin: germline. Observed: 5 variant alleles.
Comment: BS1, BP4

Blueprint Genetics
Classification: Likely benign. Last evaluated: 2024-03-28. Review status: criteria provided, single submitter. Criteria: ACMG Guidelines, 2015. Collection method: clinical testing. Allele origin: germline.

GeneDx
Classification: Benign. Last evaluated: 2021-04-16. Review status: criteria provided, single submitter. Criteria: GeneDx Variant Classification Process June 2021. Collection method: clinical testing. Allele origin: germline. Affected: yes.

Ambry Genetics
Classification: Benign for Cardiovascular phenotype. Last evaluated: 2019-03-28. Review status: criteria provided, single submitter. Criteria: Ambry Variant Classification Scheme 2023. Collection method: clinical testing. Allele origin: germline.

Eurofins Ntd Llc (ga)
Classification: Likely benign. Last evaluated: 2017-10-30. Review status: criteria provided, single submitter. Criteria: EGL Classification Definitions 2015. Collection method: clinical testing. Allele origin: germline. Observed: 1 variant allele, 1 heterozygote.

NM_001458.5(FLNC):c.6991G>A (p.Val2331Met)

Genes: FLNC (filamin C; plus strand), FLNC-AS1 (FLNC antisense RNA 1; minus strand). Cytogenetic location: 7q32.1.
Variant type: single nucleotide variant.
Coding change: c.6991G>A on transcript NM_001458.5 (MANE Select); coding-DNA position 6991, G replaced by A.
Protein change: p.Val2331Met; replaces valine 2331 with methionine.
Molecular consequence: missense variant.
Genome position (GRCh38, 1-based): chr7:128,854,676, G>A. VCF-style: chr7-128854676-G-A. GRCh37 (hg19) VCF-style: chr7-128494730-G-A.
Other names: p.Val2331Met; c.6892G>A, p.Val2298Met (NM_001127487.2); short protein forms V2331M, V2298M.
Identifiers: ClinVar variation 539520 (VCV000539520.23), dbSNP rs191288058, ClinGen allele CA4476127.